The following is an entry in ClinVar:

ClinVar aggregate classification (germline): Uncertain significance. Review status: criteria provided, multiple submitters, no conflicts (2 of 4 stars). 3 submissions from 3 submitters: Uncertain significance (3). Last evaluated 2022-07-30.

Conditions:
Joubert syndrome. Also called: JOUBERT-BOLTSHAUSER SYNDROME; Familial aplasia of the vermis. Identifiers: Orphanet 475, MedGen C5979921, MONDO:0018772.
Meckel-Gruber syndrome. Also called: Dysencephalia splachnocystica; DYSENCEPHALIA SPLANCHNOCYSTICA; GRUBER SYNDROME. Identifiers: Orphanet 564, MedGen C0265215, MONDO:0018921.

Allele frequency attached by ClinVar (database versions not stated): gnomAD 0.00001; gnomAD exomes 0.00002 and 0.00008; TOPMed 0.00004; ExAC 0.00011.
gnomAD v4.1: 27 of 1,601,368 alleles (0.0017%); highest among the groups gnomAD compares: Admixed American, 0.034%; no homozygotes.

Submissions (3):

Labcorp Genetics (formerly Invitae), Labcorp
Classification: Uncertain significance for Joubert syndrome; Meckel-Gruber syndrome. Last evaluated: 2022-07-30. Review status: criteria provided, single submitter. Criteria: Invitae Variant Classification Sherloc (09022015). Collection method: clinical testing. Allele origin: germline.
Comment: This sequence change replaces tyrosine, which is neutral and polar, with histidine, which is basic and polar, at codon 1194 of the CC2D2A protein (p.Tyr1194His). This variant is present in population databases (rs756905415, gnomAD 0.05%). This variant has not been reported in the literature in individuals affected with CC2D2A-related conditions. ClinVar contains an entry for this variant (Variation ID: 1061697). Advanced modeling of protein sequence and biophysical properties (such as structural, functional, and spatial information, amino acid conservation, physicochemical variation, residue mobility, and thermodynamic stability) performed at Invitae indicates that this missense variant is expected to disrupt CC2D2A protein function. In summary, the available evidence is currently insufficient to determine the role of this variant in disease. Therefore, it has been classified as a Variant of Uncertain Significance.

Blueprint Genetics
Classification: Uncertain significance. Last evaluated: 2019-12-11. Review status: criteria provided, single submitter. Criteria: ACMG Guidelines, 2015. Collection method: clinical testing. Allele origin: germline.

GeneDx
Classification: Uncertain significance. Last evaluated: 2019-10-25. Review status: criteria provided, single submitter. Criteria: GeneDx Variant Classification Process June 2021. Collection method: clinical testing. Allele origin: germline. Affected: yes.
Comment: In silico analysis, which includes protein predictors and evolutionary conservation, supports a deleterious effect; Has not been previously published as pathogenic or benign to our knowledge

NM_001378615.1(CC2D2A):c.3580T>C (p.Tyr1194His)

Genes: CC2D2A (coiled-coil and C2 domain containing 2A; plus strand), FBXL5 (F-box and leucine rich repeat protein 5; minus strand). Cytogenetic location: 4p15.32.
Variant type: single nucleotide variant.
Coding change: c.3580T>C on transcript NM_001378615.1 (MANE Select); coding-DNA position 3580, T replaced by C.
Protein change: p.Tyr1194His; replaces tyrosine 1194 with histidine.
Molecular consequence: missense variant.
Genome position (GRCh38, 1-based): chr4:15,570,482, T>C. VCF-style: chr4-15570482-T-C. GRCh37 (hg19) VCF-style: chr4-15572105-T-C.
Other names: c.3580T>C, p.Tyr1194His (NM_001080522.2); c.3433T>C, p.Tyr1145His (NM_001378617.1); short protein forms Y1145H, Y1194H.
Identifiers: ClinVar variation 1061697 (VCV001061697.9), dbSNP rs756905415, ClinGen allele CA2864206.
Genomic context (GRCh38, chr4:15,570,482, plus strand): 5'-ATCCATACTCGTATTGAGAGACACTGGCTGGGATGTGTGAAAATGCCATTTAGCACAATA[T>C]ATTTCCAAGCAAGGGTAAGTATCTAAAGTTAGAGGTCCATGAGAGCAGGGAATTTCTCTA-3'
Protein context (NP_001365544.1, residues 1184-1204): GCVKMPFSTI[Tyr1194His]FQARIDGTFK